The following is an entry in ClinVar:

NM_002454.3(MTRR):c.2062G>A (p.Glu688Lys)

Gene: MTRR (5-methyltetrahydrofolate-homocysteine methyltransferase reductase; plus strand). Cytogenetic location: 5p15.31.
Variant type: single nucleotide variant.
Coding change: c.2062G>A on transcript NM_002454.3 (MANE Select); coding-DNA position 2062, G replaced by A.
Protein change: p.Glu688Lys; replaces glutamic acid 688 with lysine.
Molecular consequence: missense variant. On other transcripts: non-coding transcript variant (14).
Genome position (GRCh38, 1-based): chr5:7,900,023, G>A. VCF-style: chr5-7900023-G-A. GRCh37 (hg19) VCF-style: chr5-7900136-G-A.
Other names: c.2062G>A, p.Glu688Lys (NM_001364442.2, NM_024010.4, NM_001364440.2 and 1 more transcripts); short protein forms E688K.
Identifiers: ClinVar variation 3399674 (VCV003399674.3).

ClinVar aggregate classification (germline): Uncertain significance. Review status: criteria provided, multiple submitters, no conflicts (2 of 4 stars). 2 submissions from 2 submitters: Uncertain significance (2). Last evaluated 2024-09-21.

Conditions:
Inborn genetic diseases. Identifiers: MedGen C0950123, MeSH D030342.
Methylcobalamin deficiency type cblE (HMAE). Also called: HOMOCYSTINURIA-MEGALOBLASTIC ANEMIA, cblE TYPE; HOMOCYSTINURIA-MEGALOBLASTIC ANEMIA, cblE COMPLEMENTATION TYPE; VITAMIN B12-RESPONSIVE HOMOCYSTINURIA, cblE TYPE. Identifiers: Orphanet 2169, Orphanet 622, MedGen C1856057, MONDO:0009354, OMIM 236270.

gnomAD v4.1: 2 of 1,613,716 alleles (0.00012%); highest among the groups gnomAD compares: Non-Finnish European, 0.00017%; no homozygotes.

Submissions (2):

Labcorp Genetics (formerly Invitae), Labcorp
Classification: Uncertain significance for Methylcobalamin deficiency type cblE. Last evaluated: 2024-09-21. Review status: criteria provided, single submitter. Criteria: Invitae Variant Classification Sherloc (09022015). Collection method: clinical testing. Allele origin: germline.
Comment: This sequence change replaces glutamic acid, which is acidic and polar, with lysine, which is basic and polar, at codon 688 of the MTRR protein (p.Glu688Lys). This variant is not present in population databases (gnomAD no frequency). This variant has not been reported in the literature in individuals affected with MTRR-related conditions. Invitae Evidence Modeling of protein sequence and biophysical properties (such as structural, functional, and spatial information, amino acid conservation, physicochemical variation, residue mobility, and thermodynamic stability) indicates that this missense variant is not expected to disrupt MTRR protein function with a negative predictive value of 80%. In summary, the available evidence is currently insufficient to determine the role of this variant in disease. Therefore, it has been classified as a Variant of Uncertain Significance.

Ambry Genetics
Classification: Uncertain significance for Inborn genetic diseases. Last evaluated: 2024-06-25. Review status: criteria provided, single submitter. Criteria: Ambry Variant Classification Scheme 2023. Collection method: clinical testing. Allele origin: germline.